The following is an entry in ClinVar:

NM_015355.4(SUZ12):c.747G>A (p.Ser249=)

Gene: SUZ12 (SUZ12 polycomb repressive complex 2 subunit; plus strand). Cytogenetic location: 17q11.2.
Variant type: single nucleotide variant.
Coding change: c.747G>A on transcript NM_015355.4 (MANE Select); coding-DNA position 747, G replaced by A.
Protein change: p.Ser249=; no amino-acid change (serine 249 retained).
Molecular consequence: synonymous variant.
Genome position (GRCh38, 1-based): chr17:31,975,637, G>A. VCF-style: chr17-31975637-G-A. GRCh37 (hg19) VCF-style: chr17-30302656-G-A.
Other names: c.678G>A, p.Ser226= (NM_001321207.2).
Identifiers: ClinVar variation 2647650 (VCV002647650.24), dbSNP rs145801482, ClinGen allele CA8489602.
Genomic context (GRCh38, chr17:31,975,637, plus strand): 5'-CCTTGCAGTTTCCAGTAATGAATTTGAACCTAGTAACAGCCATATGGTGAAGTCTTACTC[G>A]TTGCTATTTAGAGTGACTCGTCCAGGAAGAAGAGAGTTTAATGGAATGATTAATGGAGAA-3'
Protein context (NP_056170.2, residues 239-259): PSNSHMVKSY[Ser249=]LLFRVTRPGR

ClinVar aggregate classification (germline): Likely benign (1 of 4 stars; one submission).

Allele frequency attached by ClinVar (database versions not stated): TOPMed 0.00011; gnomAD 0.00013; ESP Exome Variant Server 0.00015; gnomAD exomes 0.00016; ExAC 0.00019; 1000 Genomes Project 30x 0.00031; 1000 Genomes Project 0.00040.
gnomAD v4.1: 248 of 1,613,890 alleles (0.015%); highest among the groups gnomAD compares: South Asian, 0.094%; no homozygotes.

Submission:

CeGaT Center for Human Genetics Tuebingen
Classification: Likely benign. Last evaluated: 2023-04-01. Review status: criteria provided, single submitter. Criteria: CeGaT Center For Human Genetics Tuebingen Variant Classification Criteria Version 2. Collection method: clinical testing. Allele origin: germline. Affected: yes. Observed: 1 variant allele.
Comment: SUZ12: BP4, BP7